The following is an entry in ClinVar:

NM_203446.3(SYNJ1):c.3866G>C (p.Arg1289Pro)

Gene: SYNJ1 (synaptojanin 1; minus strand). Cytogenetic location: 21q22.11.
Variant type: single nucleotide variant.
Coding change: c.3866G>C on transcript NM_203446.3 (MANE Select); coding-DNA position 3866, G replaced by C.
Protein change: p.Arg1289Pro; replaces arginine 1289 with proline.
Molecular consequence: missense variant.
Genome position (GRCh38, 1-based): chr21:32,638,957, C>G on the plus strand (G>C on the coding strand, the complement: SYNJ1 is on the minus strand). VCF-style: chr21-32638957-C-G. GRCh37 (hg19) VCF-style: chr21-34011267-C-G.
Other names: c.3818G>C, p.Arg1273Pro (NM_001160302.2); c.3725G>C, p.Arg1242Pro (NM_001160306.2); c.3983G>C, p.Arg1328Pro (NM_003895.4); short protein forms R1242P, R1273P, R1289P, R1328P.
Identifiers: ClinVar variation 1016371 (VCV001016371.6), dbSNP rs780038881, ClinGen allele CA10003233.
Genomic context (GRCh38, chr21:32,638,957, plus strand): 5'-ATGAGACTTACTTGCGGTTGTGAGGAAGCTTCTGAAGGCAAGCTATGGGATGACCTGCTT[C>G]GAGGTGGTGGTTGTGGTGGGGTTTCCAAATTTGGCTGGGGGCCAGACTGAGGCATAGGTG-3'
Protein context (NP_982271.3, residues 1279-1299): NLETPPQPPP[Arg1289Pro]SRSSHSLPSE

ClinVar aggregate classification (germline): Uncertain significance (1 of 4 stars; one submission).

Conditions:
Early-onset Parkinson disease 20. Also called: PARKINSON DISEASE 20, AUTOSOMAL RECESSIVE EARLY-ONSET. Identifiers: Orphanet 391411, MedGen C3809824, MONDO:0014233, OMIM 615530.
Developmental and epileptic encephalopathy, 53. Also called: Epileptic encephalopathy, early infantile, 53. Identifiers: MedGen C4479313, MONDO:0033362, OMIM 617389.

Allele frequency attached by ClinVar (database versions not stated): TOPMed 0.00001; ExAC 0.00002.
gnomAD v4.1: 2 of 1,613,806 alleles (0.00012%); highest among the groups gnomAD compares: Non-Finnish European, 0.00017%; no homozygotes.

Submission:

Labcorp Genetics (formerly Invitae), Labcorp
Classification: Uncertain significance for Developmental and epileptic encephalopathy, 53; Early-onset Parkinson disease 20. Last evaluated: 2021-08-26. Review status: criteria provided, single submitter. Criteria: Invitae Variant Classification Sherloc (09022015). Collection method: clinical testing. Allele origin: germline.
Comment: This sequence change replaces arginine with proline at codon 1328 of the SYNJ1 protein (p.Arg1328Pro). The arginine residue is moderately conserved and there is a moderate physicochemical difference between arginine and proline. This variant is present in population databases (rs780038881, ExAC 0.003%). This variant has not been reported in the literature in individuals affected with SYNJ1-related conditions. Algorithms developed to predict the effect of missense changes on protein structure and function are either unavailable or do not agree on the potential impact of this missense change (SIFT: "Deleterious"; PolyPhen-2: "Probably Damaging"; Align-GVGD: "Class C0"). In summary, the available evidence is currently insufficient to determine the role of this variant in disease. Therefore, it has been classified as a Variant of Uncertain Significance.